The following is an entry in ClinVar:

NM_001042681.2(RERE):c.2534C>A (p.Pro845Gln)

Gene: RERE (arginine-glutamic acid dipeptide repeats; minus strand). Cytogenetic location: 1p36.23.
Variant type: single nucleotide variant.
Coding change: c.2534C>A on transcript NM_001042681.2 (MANE Select); coding-DNA position 2534, C replaced by A.
Protein change: p.Pro845Gln; replaces proline 845 with glutamine.
Molecular consequence: missense variant.
Genome position (GRCh38, 1-based): chr1:8,360,973, G>T on the plus strand (C>A on the coding strand, the complement: RERE is on the minus strand). VCF-style: chr1-8360973-G-T. GRCh37 (hg19) VCF-style: chr1-8421033-G-T.
Other names: c.872C>A, p.Pro291Gln (NM_001042682.2); c.2534C>A, p.Pro845Gln (NM_012102.4); short protein forms P291Q, P845Q.
Identifiers: ClinVar variation 4814098 (VCV004814098.3).

ClinVar aggregate classification (germline): Uncertain significance. Review status: criteria provided, multiple submitters, no conflicts (2 of 4 stars). 2 submissions from 2 submitters: Uncertain significance (2). Last evaluated 2026-02-13.

Conditions:
Neurodevelopmental disorder with or without anomalies of the brain, eye, or heart (NEDBEH). Identifiers: Orphanet 494344, MedGen C5567477, MONDO:0014857, OMIM 616975.

Submissions (2):

OLLIN Analises Genomicas, OLLIN
Classification: Uncertain significance for Neurodevelopmental disorder with or without anomalies of the brain, eye, or heart. Last evaluated: 2026-02-13. Review status: criteria provided, single submitter. Criteria: ACMG Guidelines 2015 PMID 25741868. Collection method: clinical testing. Allele origin: germline. Observed: 1 variant allele.
Comment: PM2_P, BP4_M

Dasa
Classification: Uncertain significance for neurodevelopmental disorder with or without anomalies of the brain, eye, or heart. Last evaluated: 2025-06-28. Review status: criteria provided, single submitter. Criteria: DASA Assertion Criteria. Collection method: clinical testing. Allele origin: germline.
Comment: NM_001042681.2(RERE):c.2534C>A (p.Pro845Gln) is a missense variant that results in the substitution of proline with glutamine. This variant is rare in population databases. Computational prediction algorithms are consistent with a benign effect. The currently available literature and clinical evidence are not sufficient to establish a definitive association between this variant and the reported condition. Therefore, this variant is classified as a variant of uncertain significance.